The following is an entry in ClinVar:

NM_015378.4(VPS13D):c.11814A>C (p.Thr3938=)

Gene: VPS13D (vacuolar protein sorting 13 homolog D; plus strand). Cytogenetic location: 1p36.22.
Variant type: single nucleotide variant.
Coding change: c.11814A>C on transcript NM_015378.4 (MANE Select); coding-DNA position 11814, A replaced by C.
Protein change: p.Thr3938=; no amino-acid change (threonine 3938 retained).
Molecular consequence: synonymous variant.
Genome position (GRCh38, 1-based): chr1:12,401,637, A>C. VCF-style: chr1-12401637-A-C. GRCh37 (hg19) VCF-style: chr1-12461690-A-C.
Other names: p.Thr3938=; c.11739A>C, p.Thr3913= (NM_018156.4).
Identifiers: ClinVar variation 4684666 (VCV004684666.1).

ClinVar aggregate classification (germline): Likely benign (1 of 4 stars; one submission).

gnomAD v4.1: 3 of 1,613,510 alleles (0.00019%); highest among the groups gnomAD compares: Non-Finnish European, 0.00025%; no homozygotes.

Submission:

Mayo Clinic Laboratories, Mayo Clinic
Classification: Likely benign. Last evaluated: 2025-10-19. Review status: criteria provided, single submitter. Criteria: ACMG Guidelines, 2015. Collection method: clinical testing. Allele origin: germline. Observed: 1 variant allele.
Comment: BP4, BP7